The following is an entry in ClinVar:

NM_002691.4(POLD1):c.23G>C (p.Gly8Ala)

Gene: POLD1 (DNA polymerase delta 1, catalytic subunit; plus strand). Cytogenetic location: 19q13.33.
Variant type: single nucleotide variant.
Coding change: c.23G>C on transcript NM_002691.4 (MANE Select); coding-DNA position 23, G replaced by C.
Protein change: p.Gly8Ala; replaces glycine 8 with alanine.
Molecular consequence: missense variant. On other transcripts: non-coding transcript variant (1).
Genome position (GRCh38, 1-based): chr19:50,398,874, G>C. VCF-style: chr19-50398874-G-C. GRCh37 (hg19) VCF-style: chr19-50902131-G-C.
Other names: c.23G>C, p.Gly8Ala (NM_001256849.1, NM_001308632.1); short protein forms G8A.
Identifiers: ClinVar variation 2197943 (VCV002197943.4), dbSNP rs2513932021, ClinGen allele CA406969994.

ClinVar aggregate classification (germline): Uncertain significance (1 of 4 stars; one submission).

Conditions:
POLD1-related polyposis and colorectal cancer syndrome (CRCS10). Also called: Colorectal cancer, susceptibility to, 10; Colorectal cancer 10; COLORECTAL CANCER, SUSCEPTIBILITY TO, ON CHROMOSOME 19q. Identifiers: Orphanet 220460, MedGen C2675481, MONDO:0012953, OMIM 612591.

Submission:

Labcorp Genetics (formerly Invitae), Labcorp
Classification: Uncertain significance for POLD1-related polyposis and colorectal cancer syndrome. Last evaluated: 2022-04-08. Review status: criteria provided, single submitter. Criteria: Invitae Variant Classification Sherloc (09022015). Collection method: clinical testing. Allele origin: germline.
Comment: This variant has not been reported in the literature in individuals affected with POLD1-related conditions. This variant is not present in population databases (gnomAD no frequency). This sequence change replaces glycine, which is neutral and non-polar, with alanine, which is neutral and non-polar, at codon 8 of the POLD1 protein (p.Gly8Ala). Algorithms developed to predict the effect of missense changes on protein structure and function output the following: SIFT: "Tolerated"; PolyPhen-2: "Not Available"; Align-GVGD: "Class C0". The alanine amino acid residue is found in multiple mammalian species, which suggests that this missense change does not adversely affect protein function. In summary, the available evidence is currently insufficient to determine the role of this variant in disease. Therefore, it has been classified as a Variant of Uncertain Significance.